The following is an entry in ClinVar:

NM_017999.5(RNF31):c.193-2_196del

Gene: RNF31 (ring finger protein 31; plus strand). Cytogenetic location: 14q12.
Variant type: Deletion.
Coding change: c.193-2_196del on transcript NM_017999.5 (MANE Select); the canonical splice acceptor site of the intron before coding-DNA position 193 through coding-DNA position 196, 6 bases deleted (AGCCCC; older notation c.193-2_196delAGCCCC).
Molecular consequence: splice acceptor variant.
Genome position (GRCh38, 1-based): chr14:24,147,974-24,147,979, AGCCCC deleted; deleting any 6 consecutive bases within chr14:24,147,971-24,147,979 gives the same sequence; the c. name uses the placement nearest the transcript's 3' end. VCF-style (leftmost placement, unchanged base first): chr14-24147970-TCCCAGC-T. GRCh37 (hg19) VCF-style: chr14-24617179-TCCCAGC-T.
Other names: c.-325-2_-322del (NM_001310332.2).
Identifiers: ClinVar variation 3645129 (VCV003645129.2).

ClinVar aggregate classification (germline): Uncertain significance (1 of 4 stars; one submission).

Submission:

Labcorp Genetics (formerly Invitae), Labcorp
Classification: Uncertain significance. Last evaluated: 2024-03-08. Review status: criteria provided, single submitter. Criteria: Invitae Variant Classification Sherloc (09022015). Collection method: clinical testing. Allele origin: germline.
Comment: This variant results in the deletion of part of exon 2 (c.193-2_196del ) of the RNF31 gene. It is expected to disrupt RNA splicing. Variants that disrupt the donor or acceptor splice site typically lead to a loss of protein function (PMID: 16199547), however the current clinical and genetic evidence is not sufficient to establish whether loss-of-function variants in RNF31 cause disease. This variant is not present in population databases (gnomAD no frequency). This variant has not been reported in the literature in individuals affected with RNF31-related conditions. In summary, the available evidence is currently insufficient to determine the role of this variant in disease. Therefore, it has been classified as a Variant of Uncertain Significance.

Literature cited by the submitters: PubMed 16199547.